The following is an entry in ClinVar:

NM_001365925.2(NLGN1):c.208A>G (p.Asn70Asp)

Gene: NLGN1 (neuroligin 1; plus strand). Cytogenetic location: 3q26.31.
Variant type: single nucleotide variant.
Coding change: c.208A>G on transcript NM_001365925.2 (MANE Select); coding-DNA position 208, A replaced by G.
Protein change: p.Asn70Asp; replaces asparagine 70 with aspartic acid.
Molecular consequence: missense variant.
Genome position (GRCh38, 1-based): chr3:173,604,806, A>G. VCF-style: chr3-173604806-A-G. GRCh37 (hg19) VCF-style: chr3-173322596-A-G.
Other names: c.208A>G, p.Asn70Asp (NM_001365923.2, NM_001365924.2, NM_001365926.2 and 11 more transcripts); short protein forms N70D.
Identifiers: ClinVar variation 3041754 (VCV003041754.2), dbSNP rs2473592833, ClinGen allele CA355541012.

ClinVar aggregate classification (germline): Uncertain significance (0 of 4 stars; one submission).

Conditions:
NLGN1-related disorder. Also called: NLGN1-related condition.

Submission:

PreventionGenetics, part of Exact Sciences
Classification: Uncertain significance for NLGN1-related condition. Last evaluated: 2023-11-29. Review status: no assertion criteria provided. Collection method: clinical testing. Allele origin: germline.
Comment: The NLGN1 c.208A>G variant is predicted to result in the amino acid substitution p.Asn70Asp. To our knowledge, this variant has not been reported in the literature or in a large population database, indicating this variant is rare. At this time, the clinical significance of this variant is uncertain due to the absence of conclusive functional and genetic evidence.